The following is an entry in ClinVar:

NM_182640.3(MRPS9):c.734G>A (p.Arg245Gln)

Gene: MRPS9 (mitochondrial ribosomal protein S9; plus strand). Cytogenetic location: 2q12.1.
Variant type: single nucleotide variant.
Coding change: c.734G>A on transcript NM_182640.3 (MANE Select); coding-DNA position 734, G replaced by A.
Protein change: p.Arg245Gln; replaces arginine 245 with glutamine.
Molecular consequence: missense variant.
Genome position (GRCh38, 1-based): chr2:105,092,483, G>A. VCF-style: chr2-105092483-G-A. GRCh37 (hg19) VCF-style: chr2-105708941-G-A.
Other names: short protein forms R245Q.
Identifiers: ClinVar variation 2651226 (VCV002651226.24), dbSNP rs116793449, ClinGen allele CA1813342.

ClinVar aggregate classification (germline): Likely benign (1 of 4 stars; one submission).

Allele frequency attached by ClinVar (database versions not stated): 1000 Genomes Project 0.00240; 1000 Genomes Project 30x 0.00297; ESP Exome Variant Server 0.00392; ExAC 0.00407; gnomAD 0.00407; TOPMed 0.00421; gnomAD exomes 0.00560.
gnomAD v4.1: 8,793 of 1,613,906 alleles (0.54%); highest among the groups gnomAD compares: Non-Finnish European, 0.66%; 27 homozygotes.

Submission:

CeGaT Center for Human Genetics Tuebingen
Classification: Likely benign. Last evaluated: 2023-03-01. Review status: criteria provided, single submitter. Criteria: CeGaT Center For Human Genetics Tuebingen Variant Classification Criteria Version 2. Collection method: clinical testing. Allele origin: germline. Affected: yes. Observed: 1 variant allele.
Comment: MRPS9: BS2